The following is an entry in ClinVar:

NM_000260.4(MYO7A):c.1729A>G (p.Ile577Val)

Gene: MYO7A (myosin VIIA; plus strand). Cytogenetic location: 11q13.5.
Variant type: single nucleotide variant.
Coding change: c.1729A>G on transcript NM_000260.4 (MANE Select); coding-DNA position 1729, A replaced by G.
Protein change: p.Ile577Val; replaces isoleucine 577 with valine.
Molecular consequence: missense variant.
Genome position (GRCh38, 1-based): chr11:77,166,094, A>G. VCF-style: chr11-77166094-A-G. GRCh37 (hg19) VCF-style: chr11-76877140-A-G.
Other names: c.1729A>G, p.Ile577Val (NM_001127180.2); c.1696A>G, p.Ile566Val (NM_001369365.1); short protein forms I566V, I577V.
Identifiers: ClinVar variation 1305824 (VCV001305824.5), dbSNP rs1953515507, ClinGen allele CA381937004.

ClinVar aggregate classification (germline): Uncertain significance. Review status: criteria provided, multiple submitters, no conflicts (2 of 4 stars). 2 submissions from 2 submitters: Uncertain significance (2). Last evaluated 2023-10-23.

Allele frequency attached by ClinVar (database versions not stated): gnomAD exomes below 0.00001; TOPMed below 0.00001.
gnomAD v4.1: 2 of 1,613,886 alleles (0.00012%); highest among the groups gnomAD compares: Admixed American, 0.0017%; no homozygotes.

Submissions (2):

Labcorp Genetics (formerly Invitae), Labcorp
Classification: Uncertain significance. Last evaluated: 2023-10-23. Review status: criteria provided, single submitter. Criteria: Invitae Variant Classification Sherloc (09022015). Collection method: clinical testing. Allele origin: germline.
Comment: This sequence change replaces isoleucine, which is neutral and non-polar, with valine, which is neutral and non-polar, at codon 577 of the MYO7A protein (p.Ile577Val). This variant is not present in population databases (gnomAD no frequency). This variant has not been reported in the literature in individuals affected with MYO7A-related conditions. ClinVar contains an entry for this variant (Variation ID: 1305824). Advanced modeling of protein sequence and biophysical properties (such as structural, functional, and spatial information, amino acid conservation, physicochemical variation, residue mobility, and thermodynamic stability) performed at Invitae indicates that this missense variant is not expected to disrupt MYO7A protein function with a negative predictive value of 95%. In summary, the available evidence is currently insufficient to determine the role of this variant in disease. Therefore, it has been classified as a Variant of Uncertain Significance.

GeneDx
Classification: Uncertain significance. Last evaluated: 2019-05-14. Review status: criteria provided, single submitter. Criteria: GeneDx Variant Classification Process June 2021. Collection method: clinical testing. Allele origin: germline. Affected: yes.
Comment: Not observed in large population cohorts (Lek et al., 2016); In silico analysis, which includes protein predictors and evolutionary conservation, supports that this variant does not alter protein structure/function; Has not been previously published as pathogenic or benign to our knowledge